The following is an entry in ClinVar:

NM_002693.3(POLG):c.2070+27T>C

Gene: POLG (DNA polymerase gamma, catalytic subunit; minus strand). Cytogenetic location: 15q26.1.
Variant type: single nucleotide variant.
Coding change: c.2070+27T>C on transcript NM_002693.3 (MANE Select); 27 bases into the intron after coding-DNA position 2070, T replaced by C.
Molecular consequence: intron variant.
Genome position (GRCh38, 1-based): chr15:89,324,080, A>G on the plus strand (T>C on the coding strand, the complement: POLG is on the minus strand). VCF-style: chr15-89324080-A-G. GRCh37 (hg19) VCF-style: chr15-89867311-A-G.
Other names: c.2070+27T>C (NM_001126131.2).
Identifiers: ClinVar variation 619460 (VCV000619460.1), dbSNP rs1259690556, ClinGen allele CA10602312.

ClinVar aggregate classification (germline): Likely benign (1 of 4 stars; one submission).

Conditions:
Progressive sclerosing poliodystrophy (MTDPS4A). Also called: Alpers-Huttenlocher Syndrome (AHS); Alpers Syndrome; ALPERS PROGRESSIVE INFANTILE POLIODYSTROPHY; Mitochondrial DNA depletion syndrome 4A (Alpers type); ALPERS DIFFUSE DEGENERATION OF CEREBRAL GRAY MATTER WITH HEPATIC CIRRHOSIS; Alpers-Huttenlocher Syndrome. Identifiers: Orphanet 726, MedGen C0205710, MONDO:0008758, OMIM 203700.

Allele frequency attached by ClinVar (database versions not stated): gnomAD exomes below 0.00001; gnomAD 0.00001; TOPMed 0.00002.
gnomAD v4.1: 8 of 1,613,658 alleles (0.0005%); highest among the groups gnomAD compares: East Asian, 0.0022%; no homozygotes.

Submission:

Wong Mito Lab, Molecular and Human Genetics, Baylor College of Medicine
Classification: Likely benign for Progressive sclerosing poliodystrophy. Last evaluated: 2018-10-01. Review status: criteria provided, single submitter. Criteria: ACMG Guidelines, 2015. Collection method: clinical testing. Allele origin: germline.
Comment: The NM_002693.2:c.2070+27T>C (NP_002684.1:p.=) [GRCH38: NC_000015.10:g.89324080A>G] variant in POLG gene is interpretated to be a Likely Benign based on ACMG guidelines (PMID: 25741868). This variant meets the following evidence codes reported in the ACMG-guideline. BP4:Computational evidence/predictors indicate no impact on the POLG structure, function, or protein-protein interaction. BP6:Reputable source(s) without shared data suggest the variant is benign. Based on the evidence criteria codes applied, the variant is suggested to be Likely Benign.